The following is an entry in ClinVar:

ClinVar aggregate classification (germline): Likely benign. Review status: criteria provided, multiple submitters, no conflicts (2 of 4 stars). 2 submissions from 2 submitters: Likely benign (2). Last evaluated 2024-02-22.

Allele frequency attached by ClinVar (database versions not stated): TOPMed 0.00001.

Submissions (2):

Labcorp Genetics (formerly Invitae), Labcorp
Classification: Likely benign. Last evaluated: 2024-02-22. Review status: criteria provided, single submitter. Criteria: Invitae Variant Classification Sherloc (09022015). Collection method: clinical testing. Allele origin: germline.

Laboratory for Molecular Medicine, Mass General Brigham Personalized Medicine
Classification: Likely benign. Last evaluated: 2017-02-16. Review status: criteria provided, single submitter. Criteria: LMM Criteria. Collection method: clinical testing. Allele origin: germline. Observed: 2 variant alleles.
Comment: p.Arg33Arg in exon 2 of OTOF: This variant is not expected to have clinical sign ificance because it does not alter an amino acid residue and is not located near a splice junction. It has been identified in 1/9298 European chromosomes by the Exome Aggregation Consortium (ExAC; dbSNP rs150 867836).

NM_194248.3(OTOF):c.97C>A (p.Arg33=)

Gene: OTOF (otoferlin; minus strand). Cytogenetic location: 2p23.3.
Variant type: single nucleotide variant.
Coding change: c.97C>A on transcript NM_194248.3 (MANE Select); coding-DNA position 97, C replaced by A.
Protein change: p.Arg33=; no amino-acid change (arginine 33 retained).
Molecular consequence: synonymous variant.
Genome position (GRCh38, 1-based): chr2:26,537,757, G>T on the plus strand (C>A on the coding strand, the complement: OTOF is on the minus strand). VCF-style: chr2-26537757-G-T. GRCh37 (hg19) VCF-style: chr2-26760625-G-T.
Other names: c.97C>A, p.Arg33= (NM_001287489.2).
Identifiers: ClinVar variation 48277 (VCV000048277.8), dbSNP rs150867836, ClinGen allele CA142959.